The following is an entry in ClinVar:

NC_000005.9:g.(?_13814806)_(13816871_?)del

Gene: DNAH5 (dynein axonemal heavy chain 5; minus strand). Cytogenetic location: 5p15.2.
Variant type: Deletion.
Identifiers: ClinVar variation 3246267 (VCV003246267.1).

ClinVar aggregate classification (germline): Pathogenic (1 of 4 stars; one submission).

Conditions:
Primary ciliary dyskinesia. Also called: Ciliary dyskinesia. Identifiers: Orphanet 244, MedGen C0008780, MONDO:0016575, HP:0012265.

Submission:

Labcorp Genetics (formerly Invitae), Labcorp
Classification: Pathogenic for Primary ciliary dyskinesia. Last evaluated: 2023-01-02. Review status: criteria provided, single submitter. Criteria: Invitae Variant Classification Sherloc (09022015). Collection method: clinical testing. Allele origin: unknown.
Comment: For these reasons, this variant has been classified as Pathogenic. This variant has been observed in individual(s) with clinical features of DNAH5-related conditions (Invitae). This variant results in the deletion of part of exon 43 (c.6988+786_7138del) of the DNAH5 gene. It is expected to disrupt RNA splicing. Variants that disrupt the donor or acceptor splice site typically lead to a loss of protein function (PMID: 16199547), and loss-of-function variants in DNAH5 are known to be pathogenic (PMID: 11788826, 16627867).

Literature cited by the submitters: PubMed 16199547; PubMed 11788826; PubMed 16627867.